The following is an entry in ClinVar:

ClinVar aggregate classification (germline): Uncertain significance (1 of 4 stars; one submission).

Allele frequency attached by ClinVar (database versions not stated): ExAC 0.00003.
gnomAD v4.1: 6 of 1,582,328 alleles (0.00038%); highest among the groups gnomAD compares: South Asian, 0.0069%; no homozygotes.

Submission:

Labcorp Genetics (formerly Invitae), Labcorp
Classification: Uncertain significance. Last evaluated: 2022-05-29. Review status: criteria provided, single submitter. Criteria: Invitae Variant Classification Sherloc (09022015). Collection method: clinical testing. Allele origin: germline.
Comment: This sequence change falls in intron 8 of the WDR1 gene. It does not directly change the encoded amino acid sequence of the WDR1 protein. It affects a nucleotide within the consensus splice site. This variant is present in population databases (rs759883159, gnomAD 0.004%). This variant has not been reported in the literature in individuals affected with WDR1-related conditions. Variants that disrupt the consensus splice site are a relatively common cause of aberrant splicing (PMID: 17576681, 9536098). Algorithms developed to predict the effect of sequence changes on RNA splicing suggest that this variant is not likely to affect RNA splicing. In summary, the available evidence is currently insufficient to determine the role of this variant in disease. Therefore, it has been classified as a Variant of Uncertain Significance.

Literature cited by the submitters: PubMed 17576681; PubMed 9536098.

NM_017491.5(WDR1):c.951+4A>T

Gene: WDR1 (WD repeat domain 1; minus strand). Cytogenetic location: 4p16.1.
Variant type: single nucleotide variant.
Coding change: c.951+4A>T on transcript NM_017491.5 (MANE Select); 4 bases into the intron after coding-DNA position 951, A replaced by T.
Molecular consequence: intron variant.
Genome position (GRCh38, 1-based): chr4:10,087,703, T>A on the plus strand (A>T on the coding strand, the complement: WDR1 is on the minus strand). VCF-style: chr4-10087703-T-A. GRCh37 (hg19) VCF-style: chr4-10089327-T-A.
Other names: c.531+4A>T (NM_005112.5).
Identifiers: ClinVar variation 2175415 (VCV002175415.4), dbSNP rs759883159, ClinGen allele CA2857860.
Genomic context (GRCh38, chr4:10,087,703, plus strand): 5'-CTGGCCACTCTGGTCTCTTCCCTGTCCACCCAGCGGGCAGAGCCTTCCCCAGGGCAGGCC[T>A]TACCTTGATGACGTGCAGGGGCTTGCTGGGGTTGTTTCTGTCCAGATAGTTGATGTACCC-3'